The following is an entry in ClinVar:

ClinVar aggregate classification (germline): Uncertain significance (1 of 4 stars; one submission).

Conditions:
Cardiovascular phenotype. Identifiers: MedGen CN230736.

Allele frequency attached by ClinVar (database versions not stated): gnomAD 0.00001; gnomAD exomes 0.00001.
gnomAD v4.1: 11 of 1,550,066 alleles (0.00071%); highest among the groups gnomAD compares: South Asian, 0.0036%; no homozygotes.

Submission:

Ambry Genetics
Classification: Uncertain significance for Cardiovascular phenotype. Last evaluated: 2022-06-14. Review status: criteria provided, single submitter. Criteria: Ambry Variant Classification Scheme 2023. Collection method: clinical testing. Allele origin: germline.
Comment: The p.R383S variant (also known as c.1149A>T), located in coding exon 1 of the ZNF469 gene, results from an A to T substitution at nucleotide position 1149. The arginine at codon 383 is replaced by serine, an amino acid with dissimilar properties. This amino acid position is conserved. In addition, this alteration is predicted to be tolerated by in silico analysis. Since supporting evidence is limited at this time, the clinical significance of this alteration remains unclear.

NM_001367624.2(ZNF469):c.1149A>T (p.Arg383Ser)

Gene: ZNF469 (zinc finger protein 469; plus strand). Cytogenetic location: 16q24.2.
Variant type: single nucleotide variant.
Coding change: c.1149A>T on transcript NM_001367624.2 (MANE Select); coding-DNA position 1149, A replaced by T.
Protein change: p.Arg383Ser; replaces arginine 383 with serine.
Molecular consequence: missense variant.
Genome position (GRCh38, 1-based): chr16:88,428,619, A>T. VCF-style: chr16-88428619-A-T. GRCh37 (hg19) VCF-style: chr16-88495027-A-T.
Other names: NM_001127464.1:c.1149A>T; short protein forms R383S.
Identifiers: ClinVar variation 1733218 (VCV001733218.2), dbSNP rs1171715352, ClinGen allele CA397063453.